The following is an entry in ClinVar:

ClinVar aggregate classification (germline): Uncertain significance. Review status: criteria provided, multiple submitters, no conflicts (2 of 4 stars). 2 submissions from 2 submitters: Uncertain significance (2). Last evaluated 2026-01-21.

Conditions:
Dyskeratosis congenita, autosomal dominant 6 (DKCA6). Identifiers: Orphanet 3322, MedGen C4225284, MONDO:0014690, OMIM 616553.

Allele frequency attached by ClinVar (database versions not stated): gnomAD exomes 0.00001.

Submissions (2):

Labcorp Genetics (formerly Invitae), Labcorp
Classification: Uncertain significance for Dyskeratosis congenita, autosomal dominant 6. Last evaluated: 2026-01-21. Review status: criteria provided, single submitter. Criteria: Invitae Variant Classification Sherloc (09022015). Collection method: clinical testing. Allele origin: germline.
Comment: This sequence change creates a premature translational stop signal (p.Gln192*) in the ACD gene. It is expected to result in an absent or disrupted protein product. However, the current clinical and genetic evidence is not sufficient to establish whether loss-of-function variants in ACD cause disease. This variant is not present in population databases (gnomAD no frequency). This variant has not been reported in the literature in individuals affected with ACD-related conditions. ClinVar contains an entry for this variant (Variation ID: 1401377). Experimental studies and prediction algorithms are not available or were not evaluated, and the functional significance of this variant is currently unknown. In summary, the available evidence is currently insufficient to determine the role of this variant in disease. Therefore, it has been classified as a Variant of Uncertain Significance.

Department of Pathology and Laboratory Medicine, Sinai Health System
Classification: Uncertain significance for Dyskeratosis congenita, autosomal dominant 6. Last evaluated: 2021-05-27. Review status: criteria provided, single submitter. Criteria: ACMG Guidelines, 2015. Collection method: research. Allele origin: germline.

NM_001082486.2(ACD):c.316C>T (p.Gln106Ter)

Gene: ACD (ACD shelterin complex subunit and telomerase recruitment factor; minus strand). Cytogenetic location: 16q22.1.
Variant type: single nucleotide variant.
Coding change: c.316C>T on transcript NM_001082486.2 (MANE Select); coding-DNA position 316, C replaced by T.
Protein change: p.Gln106Ter; replaces glutamine 106 with a stop codon.
Molecular consequence: nonsense.
Genome position (GRCh38, 1-based): chr16:67,659,722, G>A on the plus strand (C>T on the coding strand, the complement: ACD is on the minus strand). VCF-style: chr16-67659722-G-A. GRCh37 (hg19) VCF-style: chr16-67693625-G-A.
Other names: c.307C>T, p.Gln103Ter (NM_022914.3); short protein forms Q103*, Q106*.
Identifiers: ClinVar variation 1401377 (VCV001401377.7), dbSNP rs2142974596, ClinGen allele CA396355843.
Genomic context (GRCh38, chr16:67,659,722, plus strand): 5'-TCATGCCCGGTAACCCGCCCAAGGCAGTCTCACCACTCACCGCGCCGCCCTCAGCGACCT[G>A]GACATGAACCCCGCAGTCCTGCAGCAGCAGCAGCCGGCCCTCTGTCCCGCGGAAGCCGAA-3'